The following is an entry in ClinVar:

ClinVar aggregate classification (germline): Uncertain significance (0 of 4 stars; one submission).

Conditions:
RPGRIP1L-related disorder. Also called: RPGRIP1L-related condition; RPGRIP1L-related disorders. Identifiers: MedGen CN239416.

gnomAD v4.1: 1 of 1,613,034 alleles (0.000062%); highest among the groups gnomAD compares: Non-Finnish European, 0.000085%; no homozygotes.

Submission:

PreventionGenetics, part of Exact Sciences
Classification: Uncertain significance for RPGRIP1L-related condition. Last evaluated: 2024-04-22. Review status: no assertion criteria provided. Collection method: clinical testing. Allele origin: germline.
Comment: The RPGRIP1L c.1829A>T variant is predicted to result in the amino acid substitution p.His610Leu. To our knowledge, this variant has not been reported in the literature or in a large population database, indicating this variant is rare. An alternate substitution at the same amino acid (p.His610LeuPro) has been reported along with a second RPGRIP1L variant in an individual with Meckel-Gruber syndrome (Otto et al. 2011. PubMed ID: 21068128). At this time, the clinical significance of the c.1829A>T (p.His610Leu) variant is uncertain due to the absence of conclusive functional and genetic evidence.

NM_015272.5(RPGRIP1L):c.1829A>T (p.His610Leu)

Gene: RPGRIP1L (RPGRIP1 like; minus strand). Cytogenetic location: 16q12.2.
Variant type: single nucleotide variant.
Coding change: c.1829A>T on transcript NM_015272.5 (MANE Select); coding-DNA position 1829, A replaced by T.
Protein change: p.His610Leu; replaces histidine 610 with leucine.
Molecular consequence: missense variant.
Genome position (GRCh38, 1-based): chr16:53,652,858, T>A on the plus strand (A>T on the coding strand, the complement: RPGRIP1L is on the minus strand). VCF-style: chr16-53652858-T-A. GRCh37 (hg19) VCF-style: chr16-53686770-T-A.
Other names: c.1829A>T, p.His610Leu (NM_001127897.4, NM_001308334.3, NM_001330538.2); short protein forms H610L.
Identifiers: ClinVar variation 3356602 (VCV003356602.1).